The following is an entry in ClinVar:

NM_033380.3(COL4A5):c.86G>T (p.Cys29Phe)

Gene: COL4A5 (collagen type IV alpha 5 chain; plus strand). Cytogenetic location: Xq22.3.
Variant type: single nucleotide variant.
Coding change: c.86G>T on transcript NM_033380.3 (MANE Select); coding-DNA position 86, G replaced by T.
Protein change: p.Cys29Phe; replaces cysteine 29 with phenylalanine.
Molecular consequence: missense variant.
Genome position (GRCh38, 1-based): chrX:108,539,750, G>T. VCF-style: chrX-108539750-G-T. GRCh37 (hg19) VCF-style: chrX-107782980-G-T.
Other names: c.86G>T, p.Cys29Phe (NM_000495.5); short protein forms C29F.
Identifiers: ClinVar variation 5000522 (VCV005000522.1).
Genomic context (GRCh38, chrX:108,539,750, plus strand): 5'-AGTCTGATTTTTGGGTTCATATTTAATGATTTTTTCCCTCTTTCTCTTCCTTATAGGCTT[G>T]CTATGGGTGTTCTCCAGGATCAAAGTGTGACTGCAGTGGCATAAAAGGGGAAAAGGTGAG-3'
Protein context (NP_203699.1, residues 19-39): LWGQPAEAAA[Cys29Phe]YGCSPGSKCD

ClinVar aggregate classification (germline): Uncertain significance (1 of 4 stars; one submission).

Conditions:
COL4A5-related disorder. Also called: COL4A5-related condition.

gnomAD v4.1: 1 of 1,206,087 alleles (0.000083%); highest among the groups gnomAD compares: Non-Finnish European, 0.00011%; no homozygotes.

Submission:

PreventionGenetics, part of Exact Sciences
Classification: Uncertain significance for COL4A5-related condition. Last evaluated: 2024-12-10. Review status: criteria provided, single submitter. Criteria: ACMG Guidelines, 2015. Collection method: clinical testing. Allele origin: germline.
Comment: The COL4A5 c.86G>T variant is predicted to result in the amino acid substitution p.Cys29Phe. To our knowledge, this variant has not been reported in the literature. This variant is reported in 0.0063% of alleles in individuals of European (Finnish) descent in gnomAD. At this time, the clinical significance of this variant is uncertain due to the absence of conclusive functional and genetic evidence.